The following is an entry in ClinVar:

NM_020070.4(IGLL1):c.393T>C (p.Ala131=)

Gene: IGLL1 (immunoglobulin lambda like polypeptide 1; minus strand). Cytogenetic location: 22q11.23.
Variant type: single nucleotide variant.
Coding change: c.393T>C on transcript NM_020070.4 (MANE Select); coding-DNA position 393, T replaced by C.
Protein change: p.Ala131=; no amino-acid change (alanine 131 retained).
Molecular consequence: synonymous variant. On other transcripts: 3 prime UTR variant (1).
Genome position (GRCh38, 1-based): chr22:23,573,515, A>G on the plus strand (T>C on the coding strand, the complement: IGLL1 is on the minus strand). VCF-style: chr22-23573515-A-G. GRCh37 (hg19) VCF-style: chr22-23915702-A-G.
Other names: c.396T>C, p.Ala132= (NM_001369906.1); c.*22T>C (NM_152855.3).
Identifiers: ClinVar variation 538829 (VCV000538829.49), dbSNP rs1064424, ClinGen allele CA10143284.

ClinVar aggregate classification (germline): Benign/Likely benign. Review status: criteria provided, multiple submitters, no conflicts (2 of 4 stars). 6 submissions from 6 submitters: Benign (1); Likely benign (5). Last evaluated 2026-07-01.

Conditions:
Agammaglobulinemia 2, autosomal recessive (AGM2). Also called: AGAMMAGLOBULINEMIA, AUTOSOMAL RECESSIVE, DUE TO IGLL1 DEFECT. Identifiers: MedGen C3150750, MONDO:0013287, OMIM 613500.

Allele frequency attached by ClinVar (database versions not stated): ESP Exome Variant Server 0.00100; 1000 Genomes Project 30x 0.00156; gnomAD exomes 0.00168 and 0.00181; gnomAD 0.00182 and 0.00185; TOPMed 0.00183; ExAC 0.00298; 1000 Genomes Project 0.00439.

Submissions (6):

CeGaT Center for Human Genetics Tuebingen
Classification: Likely benign. Last evaluated: 2026-07-01. Review status: criteria provided, single submitter. Criteria: CeGaT Center For Human Genetics Tuebingen Variant Classification Criteria Version 2. Collection method: clinical testing. Allele origin: germline. Affected: yes. Observed: 10 variant alleles.
Comment: IGLL1: BP4, BP7

Labcorp Genetics (formerly Invitae), Labcorp
Classification: Benign for Agammaglobulinemia 2, autosomal recessive. Last evaluated: 2026-01-25. Review status: criteria provided, single submitter. Criteria: Invitae Variant Classification Sherloc (09022015). Collection method: clinical testing. Allele origin: germline.

Women's Health and Genetics/Laboratory Corporation of America, LabCorp
Classification: Likely benign. Last evaluated: 2026-01-23. Review status: criteria provided, single submitter. Criteria: LabCorp Variant Classification Summary - May 2015. Collection method: clinical testing. Allele origin: germline.

ARUP Laboratories, Molecular Genetics and Genomics, ARUP Laboratories
Classification: Likely benign for Agammaglobulinemia 2, autosomal recessive. Last evaluated: 2025-05-06. Review status: criteria provided, single submitter. Criteria: ARUP Molecular Germline Variant Investigation Process 2024. Collection method: clinical testing. Allele origin: germline.

Blueprint Genetics
Classification: Likely benign. Last evaluated: 2024-11-25. Review status: criteria provided, single submitter. Criteria: ACMG Guidelines, 2015. Collection method: clinical testing. Allele origin: germline.

Breakthrough Genomics
Classification: Likely benign. Review status: criteria provided, single submitter. Criteria: ACMG Guidelines, 2015. Collection method: not provided. Allele origin: germline. Inheritance: Autosomal recessive inheritance. Affected: yes.